The following is an entry in ClinVar:

ClinVar aggregate classification (germline): Uncertain significance (1 of 4 stars; one submission).

Conditions:
Hereditary cancer-predisposing syndrome. Also called: Hereditary Cancer Syndrome; Hereditary neoplastic syndrome; Neoplastic Syndromes, Hereditary; Tumor predisposition. Identifiers: Orphanet 140162, MedGen C0027672, MeSH D009386, MONDO:0015356.

Submission:

Ambry Genetics
Classification: Uncertain significance for Hereditary cancer-predisposing syndrome. Last evaluated: 2025-06-27. Review status: criteria provided, single submitter. Criteria: Ambry Variant Classification Scheme 2023. Collection method: clinical testing. Allele origin: germline.
Comment: The p.P343A variant (also known as c.1027C>G), located in coding exon 11 of the CDC73 gene, results from a C to G substitution at nucleotide position 1027. The proline at codon 343 is replaced by alanine, an amino acid with highly similar properties. This amino acid position is conserved. In addition, this alteration is predicted to be tolerated by in silico analysis. Based on the available evidence, the clinical significance of this variant remains unclear.

NM_024529.5(CDC73):c.1027C>G (p.Pro343Ala)

Gene: CDC73 (cell division cycle 73; plus strand). Cytogenetic location: 1q31.2.
Variant type: single nucleotide variant.
Coding change: c.1027C>G on transcript NM_024529.5 (MANE Select); coding-DNA position 1027, C replaced by G.
Protein change: p.Pro343Ala; replaces proline 343 with alanine.
Molecular consequence: missense variant.
Genome position (GRCh38, 1-based): chr1:193,203,849, C>G. VCF-style: chr1-193203849-C-G. GRCh37 (hg19) VCF-style: chr1-193172979-C-G.
Other names: short protein forms P343A.
Identifiers: ClinVar variation 4223471 (VCV004223471.1).